The following is an entry in ClinVar:

NM_001399.5(EDA):c.593_602dup (p.Ile202fs)

Gene: EDA (ectodysplasin A; plus strand). Cytogenetic location: Xq13.1.
Variant type: Duplication.
Coding change: c.593_602dup on transcript NM_001399.5 (MANE Select); coding-DNA positions 593 to 602, 10 bases duplicated (GACCCCCAGG; older notation c.593_602dupGACCCCCAGG).
Protein change: p.Ile202fs; shifts the reading frame from isoleucine 202.
Molecular consequence: frameshift variant.
Genome position (GRCh38, 1-based): chrX:70,027,923-70,027,932, GACCCCCAGG duplicated; duplicating any 10 consecutive bases within chrX:70,027,916-70,027,932 gives the same sequence; the c. name uses the placement nearest the transcript's 3' end. VCF-style (leftmost placement, unchanged base first): chrX-70027915-A-ACCCCAGGGAC. GRCh37 (hg19) VCF-style: chrX-69247765-A-ACCCCAGGGAC.
Other names: c.593_602dup, p.Ile202fs (NM_001005609.2, NM_001005612.3, NM_001440761.1 and 1 more transcripts); short protein forms I202fs.
Identifiers: ClinVar variation 4880789 (VCV004880789.2).
Genomic context (GRCh38, chrX:70,027,915, plus strand): 5'-AGGAAAGAAAGCAGGACCTCCTGGACCCAATGGCCCTCCAGGACCCCCAGGACCTCCAGG[A>ACCCCAGGGAC]CCCCAGGGACCCCCAGGAATTCCAGGGATTCCTGGAATTCCAGGAACAACTGTTATGGGA-3'

ClinVar aggregate classification (germline): Likely pathogenic (1 of 4 stars; one submission).

Submission:

Dasa
Classification: Likely pathogenic. Last evaluated: 2025-07-10. Review status: criteria provided, single submitter. Criteria: DASA Assertion Criteria. Collection method: clinical testing. Allele origin: germline.
Comment: NM_001399.5(EDA):c.593_602dup (p.Ile202Thrfs*41) is a frameshift variant in EDA predicted to alter the reading frame and introduce a premature termination codon and is predicted to result in an absent or altered protein product. Loss of function is an established disease mechanism for EDA (PMID: 18510547; PMID: 17568423; PMID: 9683615). Also, this variant is absent from population databases. Based on the currently available evidence, this variant is classified as likely pathogenic.

Literature cited by the submitters: PubMed 18510547; PubMed 17568423; PubMed 9683615.